The following is an entry in ClinVar:

ClinVar aggregate classification (germline): Uncertain significance (1 of 4 stars; one submission).

Submission:

Labcorp Genetics (formerly Invitae), Labcorp
Classification: Uncertain significance. Last evaluated: 2022-03-22. Review status: criteria provided, single submitter. Criteria: Invitae Variant Classification Sherloc (09022015). Collection method: clinical testing. Allele origin: germline.
Comment: Algorithms developed to predict the effect of missense changes on protein structure and function are either unavailable or do not agree on the potential impact of this missense change (SIFT: "Deleterious"; PolyPhen-2: "Benign"; Align-GVGD: "Class C0"). This variant is not present in population databases (gnomAD no frequency). This variant has not been reported in the literature in individuals affected with FAM65B-related conditions. This sequence change replaces alanine, which is neutral and non-polar, with valine, which is neutral and non-polar, at codon 334 of the FAM65B protein (p.Ala334Val). In summary, the available evidence is currently insufficient to determine the role of this variant in disease. Therefore, it has been classified as a Variant of Uncertain Significance.

NM_001286445.3(RIPOR2):c.1088C>T (p.Ala363Val)

Gene: RIPOR2 (RHO family interacting cell polarization regulator 2; minus strand). Cytogenetic location: 6p22.3.
Variant type: single nucleotide variant.
Coding change: c.1088C>T on transcript NM_001286445.3 (MANE Select); coding-DNA position 1088, C replaced by T.
Protein change: p.Ala363Val; replaces alanine 363 with valine.
Molecular consequence: missense variant.
Genome position (GRCh38, 1-based): chr6:24,848,101, G>A on the plus strand (C>T on the coding strand, the complement: RIPOR2 is on the minus strand). VCF-style: chr6-24848101-G-A. GRCh37 (hg19) VCF-style: chr6-24848329-G-A.
Other names: c.1103C>T, p.Ala368Val (NM_001286446.3); c.1001C>T, p.Ala334Val (NM_001286447.2, NM_001346031.2, NM_001346032.2 and 2 more transcripts); short protein forms A334V, A363V, A368V.
Identifiers: ClinVar variation 1680513 (VCV001680513.6), dbSNP rs2113762988, ClinGen allele CA362995502.